The following is an entry in ClinVar:

ClinVar aggregate classification (germline): Benign/Likely benign. Review status: criteria provided, multiple submitters, no conflicts (2 of 4 stars). 6 submissions from 6 submitters: Benign (5); Likely benign (1). Last evaluated 2026-09-01.

Conditions:
Primary ciliary dyskinesia. Also called: Ciliary dyskinesia. Identifiers: Orphanet 244, MedGen C0008780, MONDO:0016575, HP:0012265.

Allele frequency attached by ClinVar (database versions not stated): ExAC 0.00161; 1000 Genomes Project 0.00439; 1000 Genomes Project 30x 0.00531; gnomAD 0.00545 and 0.00596; ESP Exome Variant Server 0.00547; TOPMed 0.00595; gnomAD exomes 0.00051 and 0.00122.
gnomAD v4.1: 1,593 of 1,613,478 alleles (0.099%); highest among the groups gnomAD compares: African/African-American, 2%; 17 homozygotes.

Submissions (6):

CeGaT Center for Human Genetics Tuebingen
Classification: Likely benign. Last evaluated: 2026-09-01. Review status: criteria provided, single submitter. Criteria: CeGaT Center For Human Genetics Tuebingen Variant Classification Criteria Version 2. Collection method: clinical testing. Allele origin: germline. Affected: yes. Observed: 1 variant allele.
Comment: DNAH11: BP4

Labcorp Genetics (formerly Invitae), Labcorp
Classification: Benign for Primary ciliary dyskinesia. Last evaluated: 2026-01-26. Review status: criteria provided, single submitter. Criteria: Invitae Variant Classification Sherloc (09022015). Collection method: clinical testing. Allele origin: germline.

GeneDx
Classification: Benign. Last evaluated: 2021-01-20. Review status: criteria provided, single submitter. Criteria: GeneDx Variant Classification Process June 2021. Collection method: clinical testing. Allele origin: germline. Affected: yes.
Comment: This variant is associated with the following publications: (PMID: 24450482)

Eurofins Ntd Llc (ga)
Classification: Benign. Last evaluated: 2018-01-02. Review status: criteria provided, single submitter. Criteria: EGL Classification Definitions 2015. Collection method: clinical testing. Allele origin: germline. Observed: 1 variant allele, 1 heterozygote.

Ambry Genetics
Classification: Benign for Primary ciliary dyskinesia. Last evaluated: 2015-08-17. Review status: criteria provided, single submitter. Criteria: Ambry Variant Classification Scheme 2023. Collection method: clinical testing. Allele origin: germline.

PreventionGenetics, part of Exact Sciences
Classification: Benign. Review status: criteria provided, single submitter. Criteria: ACMG Guidelines, 2015. Collection method: clinical testing. Allele origin: germline.

NM_001277115.2(DNAH11):c.8266T>C (p.Cys2756Arg)

Gene: DNAH11 (dynein axonemal heavy chain 11; plus strand). Cytogenetic location: 7p15.3.
Variant type: single nucleotide variant.
Coding change: c.8266T>C on transcript NM_001277115.2 (MANE Select); coding-DNA position 8266, T replaced by C.
Protein change: p.Cys2756Arg; replaces cysteine 2756 with arginine.
Molecular consequence: missense variant.
Genome position (GRCh38, 1-based): chr7:21,744,549, T>C. VCF-style: chr7-21744549-T-C. GRCh37 (hg19) VCF-style: chr7-21784167-T-C.
Other names: short protein forms C2756R.
Identifiers: ClinVar variation 238933 (VCV000238933.22), dbSNP rs74667361, ClinGen allele CA4181528.
Genomic context (GRCh38, chr7:21,744,549, plus strand): 5'-CATCTGTGGCTTCATGAATCTGCCCGTGTTTATGGAGACAAACTGATAGACAAAAAAGAT[T>C]GTGATTTGTTTCAGAGAAGAATGCTGGAAACTGCTTATAAATATTTTGAAGTAAGCGTAT-3'
Protein context (NP_001264044.1, residues 2746-2766): YGDKLIDKKD[Cys2756Arg]DLFQRRMLET